The following is an entry in ClinVar:

NM_004006.3(DMD):c.2611A>T (p.Lys871Ter)

Gene: DMD (dystrophin; minus strand). Cytogenetic location: Xp21.1.
Variant type: single nucleotide variant.
Coding change: c.2611A>T on transcript NM_004006.3 (MANE Select); coding-DNA position 2611, A replaced by T.
Protein change: p.Lys871Ter; replaces lysine 871 with a stop codon.
Molecular consequence: nonsense.
Genome position (GRCh38, 1-based): chrX:32,491,288, T>A on the plus strand (A>T on the coding strand, the complement: DMD is on the minus strand). VCF-style: chrX-32491288-T-A. GRCh37 (hg19) VCF-style: chrX-32509405-T-A.
Other names: c.2587A>T, p.Lys863Ter (NM_000109.4); c.2599A>T, p.Lys867Ter (NM_004009.3); c.2242A>T, p.Lys748Ter (NM_004010.3); short protein forms K871*, K748*, K863*, K867*.
Identifiers: ClinVar variation 217185 (VCV000217185.2), dbSNP rs863224987, ClinGen allele CA347479.

ClinVar aggregate classification (germline): Pathogenic (1 of 4 stars; one submission).

Conditions:
Duchenne muscular dystrophy (DMD). Also called: MUSCULAR DYSTROPHY, PSEUDOHYPERTROPHIC PROGRESSIVE, DUCHENNE TYPE; Duchenne Muscular Dystrophy (DMD). Identifiers: Orphanet 98896, MedGen C0013264, MONDO:0010679, OMIM 310200.

Submission:

Athena Diagnostics
Classification: Pathogenic for Duchenne muscular dystrophy. Last evaluated: 2013-07-15. Review status: criteria provided, single submitter. Criteria: Athena Diagnostics Criteria. Collection method: clinical testing. Allele origin: germline. Inheritance: X-linked recessive inheritance.
Comment: X-linked recessive inheritance

Literature cited by the submitters: PubMed 19937601.